The following is an entry in ClinVar:

NM_015202.5(KATNIP):c.4258G>A (p.Gly1420Ser)

Gene: KATNIP (katanin interacting protein; plus strand). Cytogenetic location: 16p12.1.
Variant type: single nucleotide variant.
Coding change: c.4258G>A on transcript NM_015202.5 (MANE Select); coding-DNA position 4258, G replaced by A.
Protein change: p.Gly1420Ser; replaces glycine 1420 with serine.
Molecular consequence: missense variant.
Genome position (GRCh38, 1-based): chr16:27,773,158, G>A. VCF-style: chr16-27773158-G-A. GRCh37 (hg19) VCF-style: chr16-27784479-G-A.
Other names: short protein forms G1420S.
Identifiers: ClinVar variation 1941153 (VCV001941153.2), dbSNP rs1169020321, ClinGen allele CA395331027.

ClinVar aggregate classification (germline): Uncertain significance (1 of 4 stars; one submission).

Allele frequency attached by ClinVar (database versions not stated): gnomAD 0.00001; TOPMed 0.00001.
gnomAD v4.1: 6 of 1,612,592 alleles (0.00037%); highest among the groups gnomAD compares: Non-Finnish European, 0.00042%; no homozygotes.

Submission:

Labcorp Genetics (formerly Invitae), Labcorp
Classification: Uncertain significance. Last evaluated: 2022-07-24. Review status: criteria provided, single submitter. Criteria: Invitae Variant Classification Sherloc (09022015). Collection method: clinical testing. Allele origin: germline.
Comment: This sequence change replaces glycine, which is neutral and non-polar, with serine, which is neutral and polar, at codon 1420 of the KIAA0556 protein (p.Gly1420Ser). This variant is present in population databases (no rsID available, gnomAD 0.002%). This variant has not been reported in the literature in individuals affected with KIAA0556-related conditions. Algorithms developed to predict the effect of missense changes on protein structure and function are either unavailable or do not agree on the potential impact of this missense change (SIFT: "Deleterious"; PolyPhen-2: "Probably Damaging"; Align-GVGD: "Class C0"). In summary, the available evidence is currently insufficient to determine the role of this variant in disease. Therefore, it has been classified as a Variant of Uncertain Significance.